The following is an entry in ClinVar:

NM_002303.6(LEPR):c.2598-9C>T

Gene: LEPR (leptin receptor; plus strand). Cytogenetic location: 1p31.3.
Variant type: single nucleotide variant.
Coding change: c.2598-9C>T on transcript NM_002303.6 (MANE Select); 9 bases into the intron before coding-DNA position 2598, C replaced by T.
Molecular consequence: intron variant.
Genome position (GRCh38, 1-based): chr1:65,622,897, C>T. VCF-style: chr1-65622897-C-T. GRCh37 (hg19) VCF-style: chr1-66088580-C-T.
Other names: c.2598-9C>T (NM_001003679.3, NM_001003680.3, NM_001198689.2 and 2 more transcripts).
Identifiers: ClinVar variation 4994923 (VCV004994923.1).
Genomic context (GRCh38, chr1:65,622,897, plus strand): 5'-TCACTAACTGTTCACATTTTCAATATGGATGTTTTTCTCTAATTTTGATGCCCTGTTTAT[C>T]CTTTGTAGAATGAAAAAGCTATTTTGGGAAGATGTTCCGAACCCCAAGAATTGTTCCTGG-3'

ClinVar aggregate classification (germline): Likely benign (1 of 4 stars; one submission).

Conditions:
LEPR-related disorder. Also called: LEPR-related condition; LEPR-related disorders.

Submission:

PreventionGenetics, part of Exact Sciences
Classification: Likely benign for LEPR-related condition. Last evaluated: 2026-05-16. Review status: criteria provided, single submitter. Criteria: ACMG Guidelines, 2015. Collection method: clinical testing. Allele origin: germline.
Comment: This variant is classified as likely benign based on ACMG/AMP sequence variant interpretation guidelines (Richards et al. 2015 PMID: 25741868, with internal and published modifications).